The following is an entry in ClinVar:

ClinVar aggregate classification (germline): Uncertain significance. Review status: criteria provided, single submitter (1 of 4 stars). 2 submissions from 2 submitters: Uncertain significance (1). 1 of the submissions does not count toward it. Last evaluated 2022-09-13.

Conditions:
Polyglandular autoimmune syndrome, type 1 (APS1). Also called: APS I; HYPOADRENOCORTICISM WITH HYPOPARATHYROIDISM AND SUPERFICIAL MONILIASIS; AUTOIMMUNE POLYENDOCRINE SYNDROME, TYPE I, WITH OR WITHOUT REVERSIBLE METAPHYSEAL DYSPLASIA; Whitaker syndrome; Autoimmune polyendocrinopathy syndrome, type I; PGA I. Identifiers: Orphanet 3453, MedGen C0085859, MONDO:0009411, OMIM 240300.

Submissions (2):

Labcorp Genetics (formerly Invitae), Labcorp
Classification: Uncertain significance for Polyglandular autoimmune syndrome, type 1. Last evaluated: 2022-09-13. Review status: criteria provided, single submitter. Criteria: Invitae Variant Classification Sherloc (09022015). Collection method: clinical testing. Allele origin: germline.
Comment: This variant, c.1054_1068dup, results in the insertion of 5 amino acid(s) of the AIRE protein (p.Ala352_Arg356dup), but otherwise preserves the integrity of the reading frame. This variant is present in population databases (no rsID available, gnomAD 0.003%). This variant has not been reported in the literature in individuals affected with AIRE-related conditions. ClinVar contains an entry for this variant (Variation ID: 552213). Experimental studies and prediction algorithms are not available or were not evaluated, and the functional significance of this variant is currently unknown. In summary, the available evidence is currently insufficient to determine the role of this variant in disease. Therefore, it has been classified as a Variant of Uncertain Significance.

Counsyl
Classification: Uncertain significance for Polyglandular autoimmune syndrome, type 1. Last evaluated: 2017-05-30. Review status: no assertion criteria provided. Collection method: clinical testing. Allele origin: unknown. Not counted in ClinVar's aggregate classification.

NM_000383.4(AIRE):c.1054_1068dup (p.Ala352_Arg356dup)

Gene: AIRE (autoimmune regulator; plus strand). Cytogenetic location: 21q22.3.
Variant type: Duplication.
Coding change: c.1054_1068dup on transcript NM_000383.4 (MANE Select); coding-DNA positions 1054 to 1068, 15 bases duplicated (GCAGAGGAGCCCCGG).
Protein change: p.Ala352_Arg356dup.
Molecular consequence: inframe insertion.
Genome position (GRCh38, 1-based): chr21:44,292,360-44,292,374, GCAGAGGAGCCCCGG duplicated; duplicating any 15 consecutive bases within chr21:44,292,352-44,292,374 gives the same sequence; the c. name uses the placement nearest the transcript's 3' end. VCF-style (leftmost placement, unchanged base first): chr21-44292351-C-CAGCCCCGGGCAGAGG. GRCh37 (hg19) VCF-style: chr21-45712234-C-CAGCCCCGGGCAGAGG.
Identifiers: ClinVar variation 552213 (VCV000552213.4), dbSNP rs1481102287, ClinGen allele CA638116026.